The following is an entry in ClinVar:

ClinVar aggregate classification (germline): Uncertain significance (1 of 4 stars; one submission).

Conditions:
Congenital myasthenic syndrome 17. Identifiers: Orphanet 590, MedGen C4225377, MONDO:0014578, OMIM 616304.
Cenani-Lenz syndactyly syndrome. Also called: CENANI SYNDACTYLISM; SYNDACTYLY, TYPE VII. Identifiers: Orphanet 3258, MedGen C1859309, MONDO:0008931, OMIM 212780.
Sclerosteosis 2 (SOST2). Identifiers: Orphanet 3152, MedGen C3280402, MONDO:0013679, OMIM 614305.

Submission:

Labcorp Genetics (formerly Invitae), Labcorp
Classification: Uncertain significance for Cenani-Lenz syndactyly syndrome; Sclerosteosis 2; Congenital myasthenic syndrome 17. Last evaluated: 2025-11-27. Review status: criteria provided, single submitter. Criteria: Invitae Variant Classification Sherloc (09022015). Collection method: clinical testing. Allele origin: germline.
Comment: This sequence change falls in intron 26 of the LRP4 gene. It does not directly change the encoded amino acid sequence of the LRP4 protein. It affects a nucleotide within the consensus splice site. This variant is not present in population databases (gnomAD no frequency). This variant has not been reported in the literature in individuals affected with LRP4-related conditions. Variants that disrupt the consensus splice site are a relatively common cause of aberrant splicing (PMID: 17576681, 9536098). Algorithms developed to predict the effect of sequence changes on RNA splicing suggest that this variant may disrupt the consensus splice site. In summary, the available evidence is currently insufficient to determine the role of this variant in disease. Therefore, it has been classified as a Variant of Uncertain Significance.

Literature cited by the submitters: PubMed 17576681; PubMed 9536098.

NM_002334.4(LRP4):c.3699+5G>A

Gene: LRP4 (LDL receptor related protein 4; minus strand). Cytogenetic location: 11p11.2.
Variant type: single nucleotide variant.
Coding change: c.3699+5G>A on transcript NM_002334.4 (MANE Select); 5 bases into the intron after coding-DNA position 3699, G replaced by A.
Molecular consequence: intron variant.
Genome position (GRCh38, 1-based): chr11:46,875,799, C>T on the plus strand (G>A on the coding strand, the complement: LRP4 is on the minus strand). VCF-style: chr11-46875799-C-T. GRCh37 (hg19) VCF-style: chr11-46897350-C-T.
Identifiers: ClinVar variation 4786828 (VCV004786828.1).